The following is an entry in ClinVar:

ClinVar aggregate classification (germline): Uncertain significance (1 of 4 stars; one submission).

Conditions:
Lafora disease. Also called: Epilepsy progressive myoclonic 2. Identifiers: Orphanet 501, MedGen C0751783, MONDO:0009697.

Allele frequency attached by ClinVar (database versions not stated): gnomAD exomes below 0.00001; ExAC 0.00001; 1000 Genomes Project 30x 0.00016; 1000 Genomes Project 0.00020.

Submission:

Labcorp Genetics (formerly Invitae), Labcorp
Classification: Uncertain significance for Lafora disease. Last evaluated: 2022-08-01. Review status: criteria provided, single submitter. Criteria: Invitae Variant Classification Sherloc (09022015). Collection method: clinical testing. Allele origin: germline.
Comment: This sequence change replaces glycine, which is neutral and non-polar, with arginine, which is basic and polar, at codon 274 of the NHLRC1 protein (p.Gly274Arg). This variant is present in population databases (rs568213488, gnomAD 0.003%). This variant has not been reported in the literature in individuals affected with NHLRC1-related conditions. ClinVar contains an entry for this variant (Variation ID: 1051104). Algorithms developed to predict the effect of missense changes on protein structure and function (SIFT, PolyPhen-2, Align-GVGD) all suggest that this variant is likely to be disruptive. In summary, the available evidence is currently insufficient to determine the role of this variant in disease. Therefore, it has been classified as a Variant of Uncertain Significance.

NM_198586.3(NHLRC1):c.820G>C (p.Gly274Arg)

Gene: NHLRC1 (NHL repeat containing E3 ubiquitin protein ligase 1; minus strand). Cytogenetic location: 6p22.3.
Variant type: single nucleotide variant.
Coding change: c.820G>C on transcript NM_198586.3 (MANE Select); coding-DNA position 820, G replaced by C.
Protein change: p.Gly274Arg; replaces glycine 274 with arginine.
Molecular consequence: missense variant.
Genome position (GRCh38, 1-based): chr6:18,121,787, C>G on the plus strand (G>C on the coding strand, the complement: NHLRC1 is on the minus strand). VCF-style: chr6-18121787-C-G. GRCh37 (hg19) VCF-style: chr6-18122018-C-G.
Other names: short protein forms G274R.
Identifiers: ClinVar variation 1051104 (VCV001051104.6), dbSNP rs568213488, ClinGen allele CA3649923.